The following is an entry in ClinVar:

ClinVar aggregate classification (germline): Uncertain significance (1 of 4 stars; one submission).

Submission:

Labcorp Genetics (formerly Invitae), Labcorp
Classification: Uncertain significance. Last evaluated: 2023-10-03. Review status: criteria provided, single submitter. Criteria: Invitae Variant Classification Sherloc (09022015). Collection method: clinical testing. Allele origin: germline.
Comment: This sequence change replaces serine, which is neutral and polar, with asparagine, which is neutral and polar, at codon 164 of the HTRA1 protein (p.Ser164Asn). This variant is not present in population databases (gnomAD no frequency). This variant has not been reported in the literature in individuals affected with HTRA1-related conditions. ClinVar contains an entry for this variant (Variation ID: 1442921). Advanced modeling of protein sequence and biophysical properties (such as structural, functional, and spatial information, amino acid conservation, physicochemical variation, residue mobility, and thermodynamic stability) performed at Invitae indicates that this missense variant is not expected to disrupt HTRA1 protein function. In summary, the available evidence is currently insufficient to determine the role of this variant in disease. Therefore, it has been classified as a Variant of Uncertain Significance.

NM_002775.5(HTRA1):c.491G>A (p.Ser164Asn)

Gene: HTRA1 (HtrA serine peptidase 1; plus strand). Cytogenetic location: 10q26.13.
Variant type: single nucleotide variant.
Coding change: c.491G>A on transcript NM_002775.5 (MANE Select); coding-DNA position 491, G replaced by A.
Protein change: p.Ser164Asn; replaces serine 164 with asparagine.
Molecular consequence: missense variant.
Genome position (GRCh38, 1-based): chr10:122,488,920, G>A. VCF-style: chr10-122488920-G-A. GRCh37 (hg19) VCF-style: chr10-124248436-G-A.
Other names: short protein forms S164N.
Identifiers: ClinVar variation 1442921 (VCV001442921.6), dbSNP rs2133438318, ClinGen allele CA378579740.